The following is an entry in ClinVar:

ClinVar aggregate classification (germline): Uncertain significance. Review status: criteria provided, single submitter (1 of 4 stars). 2 submissions from 2 submitters: Uncertain significance (1). 1 of the submissions does not count toward it. Last evaluated 2022-08-02.

Allele frequency attached by ClinVar (database versions not stated): gnomAD exomes below 0.00001; gnomAD 0.00001.
gnomAD v4.1: 2 of 1,614,032 alleles (0.00012%); highest among the groups gnomAD compares: Admixed American, 0.0033%; no homozygotes.

Submissions (2):

Labcorp Genetics (formerly Invitae), Labcorp
Classification: Uncertain significance. Last evaluated: 2022-08-02. Review status: criteria provided, single submitter. Criteria: Invitae Variant Classification Sherloc (09022015). Collection method: clinical testing. Allele origin: germline.
Comment: This sequence change replaces leucine, which is neutral and non-polar, with proline, which is neutral and non-polar, at codon 55 of the ERCC2 protein (p.Leu55Pro). This variant is present in population databases (rs587778274, gnomAD 0.006%). This variant has not been reported in the literature in individuals affected with ERCC2-related conditions. ClinVar contains an entry for this variant (Variation ID: 134111). Algorithms developed to predict the effect of missense changes on protein structure and function are either unavailable or do not agree on the potential impact of this missense change (SIFT: "Deleterious"; PolyPhen-2: "Possibly Damaging"; Align-GVGD: "Class C0"). In summary, the available evidence is currently insufficient to determine the role of this variant in disease. Therefore, it has been classified as a Variant of Uncertain Significance.

ITMI
No classification provided. Condition: AllHighlyPenetrant. Last evaluated: 2013-09-19. Review status: no classification provided. Collection method: reference population. Allele origin: germline. Not counted in ClinVar's aggregate classification.
Comment: Please see associated publication for description of ethnicities

Literature cited by the submitters: PubMed 24728327 (cited by ITMI).

NM_000400.4(ERCC2):c.164T>C (p.Leu55Pro)

Gene: ERCC2 (ERCC excision repair 2, TFIIH core complex helicase subunit; minus strand). Cytogenetic location: 19q13.32.
Variant type: single nucleotide variant.
Coding change: c.164T>C on transcript NM_000400.4 (MANE Select); coding-DNA position 164, T replaced by C.
Protein change: p.Leu55Pro; replaces leucine 55 with proline.
Molecular consequence: missense variant.
Genome position (GRCh38, 1-based): chr19:45,369,089, A>G on the plus strand (T>C on the coding strand, the complement: ERCC2 is on the minus strand). VCF-style: chr19-45369089-A-G. GRCh37 (hg19) VCF-style: chr19-45872347-A-G.
Other names: c.92T>C, p.Leu31Pro (NM_001130867.2); short protein forms L55P, L31P.
Identifiers: ClinVar variation 134111 (VCV000134111.3), dbSNP rs587778274, ClinGen allele CA158800.